The following is an entry in ClinVar:

ClinVar aggregate classification (germline): Uncertain significance. Review status: criteria provided, multiple submitters, no conflicts (2 of 4 stars). 2 submissions from 2 submitters: Uncertain significance (2). Last evaluated 2025-09-09.

Conditions:
Inborn genetic diseases. Identifiers: MedGen C0950123, MeSH D030342.
CEP78-related disorder. Also called: CEP78-related condition.

Allele frequency attached by ClinVar (database versions not stated): ExAC 0.00002.
gnomAD v4.1: 15 of 1,581,106 alleles (0.00095%); highest among the groups gnomAD compares: South Asian, 0.0036%; no homozygotes.

Submissions (2):

PreventionGenetics, part of Exact Sciences
Classification: Uncertain significance for CEP78-related condition. Last evaluated: 2025-09-09. Review status: criteria provided, single submitter. Criteria: ACMG Guidelines, 2015. Collection method: clinical testing. Allele origin: germline.
Comment: The CEP78 c.283C>T variant is predicted to result in the amino acid substitution p.Arg95Cys. To our knowledge, this variant has not been reported in the literature. This variant is reported in 0.0042% of alleles in individuals of South Asian descent in gnomAD. At this time, the clinical significance of this variant is uncertain due to the absence of conclusive functional and genetic evidence.

Ambry Genetics
Classification: Uncertain significance for Inborn genetic diseases. Last evaluated: 2023-06-12. Review status: criteria provided, single submitter. Criteria: Ambry Variant Classification Scheme 2023. Collection method: clinical testing. Allele origin: germline.

NM_001330691.3(CEP78):c.283C>T (p.Arg95Cys)

Gene: CEP78 (centrosomal protein 78; plus strand). Cytogenetic location: 9q21.2.
Variant type: single nucleotide variant.
Coding change: c.283C>T on transcript NM_001330691.3 (MANE Select); coding-DNA position 283, C replaced by T.
Protein change: p.Arg95Cys; replaces arginine 95 with cysteine.
Molecular consequence: missense variant.
Genome position (GRCh38, 1-based): chr9:78,240,052, C>T. VCF-style: chr9-78240052-C-T. GRCh37 (hg19) VCF-style: chr9-80854968-C-T.
Other names: c.283C>T, p.Arg95Cys (NM_001098802.3, NM_001330693.3, NM_001330694.2 and 4 more transcripts); short protein forms R95C.
Identifiers: ClinVar variation 2524059 (VCV002524059.3), dbSNP rs763213647, ClinGen allele CA5094870.